The following is an entry in ClinVar:

ClinVar aggregate classification (germline): Benign. Review status: criteria provided, multiple submitters, no conflicts (2 of 4 stars). 9 submissions from 9 submitters: Benign (7). 2 of the submissions do not count toward it. Last evaluated 2026-09-01.

Conditions:
Inborn genetic diseases. Identifiers: MedGen C0950123, MeSH D030342.
Multiple congenital anomalies-hypotonia-seizures syndrome 1 (MCAHS1). Also called: PIGN-CDG; Congenital disorder of glycosylation due to PIGN deficiency; GLYCOSYLPHOSPHATIDYLINOSITOL BIOSYNTHESIS DEFECT 3. Identifiers: Orphanet 280633, MedGen C3279775, MONDO:0013563, OMIM 614080.

Allele frequency attached by ClinVar (database versions not stated): 1000 Genomes Project 0.00200; 1000 Genomes Project 30x 0.00219; gnomAD 0.00820 and 0.00853; TOPMed 0.00822; ESP Exome Variant Server 0.00931; gnomAD exomes 0.00937 and 0.01231; ExAC 0.01068.
gnomAD v4.1: 19,071 of 1,613,384 alleles (1.2%); highest among the groups gnomAD compares: Non-Finnish European, 1.4%; 151 homozygotes.

Submissions (9):

CeGaT Center for Human Genetics Tuebingen
Classification: Benign. Last evaluated: 2026-09-01. Review status: criteria provided, single submitter. Criteria: CeGaT Center For Human Genetics Tuebingen Variant Classification Criteria Version 2. Collection method: clinical testing. Allele origin: germline. Affected: yes. Observed: 42 variant alleles.
Comment: PIGN: BP4, BS1, BS2

Labcorp Genetics (formerly Invitae), Labcorp
Classification: Benign for Multiple congenital anomalies-hypotonia-seizures syndrome 1. Last evaluated: 2026-02-03. Review status: criteria provided, single submitter. Criteria: Invitae Variant Classification Sherloc (09022015). Collection method: clinical testing. Allele origin: germline.

Mayo Clinic Laboratories, Mayo Clinic
Classification: Benign. Last evaluated: 2022-12-22. Review status: criteria provided, single submitter. Criteria: ACMG Guidelines, 2015. Collection method: clinical testing. Allele origin: germline. Observed: 5 variant alleles.
Comment: BS1, BS2, BP4

GeneDx
Classification: Benign. Last evaluated: 2019-07-22. Review status: criteria provided, single submitter. Criteria: GeneDx Variant Classification Process June 2021. Collection method: clinical testing. Allele origin: germline. Affected: yes.

Athena Diagnostics
Classification: Benign. Last evaluated: 2018-04-16. Review status: criteria provided, single submitter. Criteria: Athena Diagnostics Criteria. Collection method: clinical testing. Allele origin: germline.

Ambry Genetics
Classification: Benign for Inborn genetic diseases. Last evaluated: 2016-05-17. Review status: criteria provided, single submitter. Criteria: Ambry Variant Classification Scheme 2023. Collection method: clinical testing. Allele origin: germline.

Breakthrough Genomics
Classification: Benign. Review status: criteria provided, single submitter. Criteria: ACMG Guidelines, 2015. Collection method: not provided. Allele origin: germline. Inheritance: Autosomal recessive inheritance. Affected: yes.

Genome Diagnostics Laboratory, University Medical Center Utrecht
Classification: Benign. Review status: no assertion criteria provided. Collection method: clinical testing. Allele origin: germline. Affected: yes. Study: VKGL Data-share Consensus. Not counted in ClinVar's aggregate classification.

Laboratory of Diagnostic Genome Analysis, Leiden University Medical Center (LUMC)
Classification: Likely benign. Review status: no assertion criteria provided. Collection method: clinical testing. Allele origin: germline. Affected: yes. Study: VKGL Data-share Consensus. Not counted in ClinVar's aggregate classification.

NM_176787.5(PIGN):c.2712T>G (p.Phe904Leu)

Gene: PIGN (phosphatidylinositol glycan anchor biosynthesis class N; minus strand). Cytogenetic location: 18q21.33.
Variant type: single nucleotide variant.
Coding change: c.2712T>G on transcript NM_176787.5 (MANE Select); coding-DNA position 2712, T replaced by G.
Protein change: p.Phe904Leu; replaces phenylalanine 904 with leucine.
Molecular consequence: missense variant.
Genome position (GRCh38, 1-based): chr18:62,045,940, A>C on the plus strand (T>G on the coding strand, the complement: PIGN is on the minus strand). VCF-style: chr18-62045940-A-C. GRCh37 (hg19) VCF-style: chr18-59713173-A-C.
Other names: p.Phe904Leu; c.2712T>G, p.Phe904Leu (NM_012327.6); short protein forms F904L.
Identifiers: ClinVar variation 472226 (VCV000472226.47), dbSNP rs34231046, ClinGen allele CA8981884.